The following is an entry in ClinVar:

ClinVar aggregate classification (germline): Uncertain significance (1 of 4 stars; one submission).

Conditions:
Combined osteogenesis imperfecta and Ehlers-Danlos syndrome 2. Also called: OIEDS SYNDROME 2. Identifiers: MedGen C5436847, MONDO:0030855, OMIM 619120.

Allele frequency attached by ClinVar (database versions not stated): gnomAD exomes below 0.00001; TOPMed below 0.00001; gnomAD 0.00001.
gnomAD v4.1: 5 of 1,601,166 alleles (0.00031%); highest among the groups gnomAD compares: East Asian, 0.0022%; no homozygotes.

Submission:

MGZ Medical Genetics Center
Classification: Uncertain significance for Combined osteogenesis imperfecta and Ehlers-Danlos syndrome 2. Last evaluated: 2022-01-17. Review status: criteria provided, single submitter. Criteria: ACMG Guidelines, 2015. Collection method: clinical testing. Allele origin: germline. Affected: yes. Observed: 1 variant allele.
Comment: ACMG criteria applied: PM1, PM2_SUP, PP2, PP3

NM_000089.4(COL1A2):c.1273G>A (p.Ala425Thr)

Gene: COL1A2 (collagen type I alpha 2 chain; plus strand). Cytogenetic location: 7q21.3.
Variant type: single nucleotide variant.
Coding change: c.1273G>A on transcript NM_000089.4 (MANE Select); coding-DNA position 1273, G replaced by A.
Protein change: p.Ala425Thr; replaces alanine 425 with threonine.
Molecular consequence: missense variant.
Genome position (GRCh38, 1-based): chr7:94,411,077, G>A. VCF-style: chr7-94411077-G-A. GRCh37 (hg19) VCF-style: chr7-94040389-G-A.
Other names: short protein forms A425T.
Identifiers: ClinVar variation 1708977 (VCV001708977.2), dbSNP rs865965409, ClinGen allele CA368221517.